The following is an entry in ClinVar:

ClinVar aggregate classification (germline): Likely pathogenic (0 of 4 stars; one submission).

Conditions:
Intellectual developmental disorder 62. Also called: INTELLECTUAL DEVELOPMENTAL DISORDER, AUTOSOMAL DOMINANT 62; MENTAL RETARDATION, AUTOSOMAL DOMINANT 62. Identifiers: MedGen C5394083, MONDO:0032919, OMIM 618793.

Submission:

UO Genetica Medica, University of Bologna
Classification: Likely pathogenic for Intellectual developmental disorder 62. Last evaluated: 2022-10-05. Review status: no assertion criteria provided. Collection method: provider interpretation. Allele origin: de novo. Inheritance: Autosomal dominant inheritance. Affected: yes. Observed: 1 heterozygote.
Comment: The Arg497Glnfs*6 variant in DLG4 is a frameshift variant which causes a loss of function; this mechanism is known to be pathogenetic.

NM_001321075.3(DLG4):c.1490del (p.Arg497fs)

Gene: DLG4 (discs large MAGUK scaffold protein 4; minus strand). Cytogenetic location: 17p13.1.
Variant type: Deletion.
Coding change: c.1490del on transcript NM_001321075.3 (MANE Select); coding-DNA position 1490, one base deleted (G; older notation c.1490delG).
Protein change: p.Arg497fs; shifts the reading frame from arginine 497.
Molecular consequence: frameshift variant. On other transcripts: non-coding transcript variant (1).
Genome position (GRCh38, 1-based): chr17:7,193,989, C deleted on the plus strand (G on the coding strand, the reverse complement: DLG4 is on the minus strand). VCF-style (leftmost placement, unchanged base first): chr17-7193988-TC-T. GRCh37 (hg19) VCF-style: chr17-7097307-TC-T.
Other names: c.1490delG (NM_001321075.3); c.1481del, p.Arg494fs (NM_001128827.4); c.1610del, p.Arg537fs (NM_001321074.1); c.1310del, p.Arg437fs (NM_001321076.3, NM_001321077.3); c.1619delG, p.Arg540Glnfs (NM_001365.5); c.1409del, p.Arg470fs (NM_001369566.3); short protein forms R437fs, R470fs, R494fs, R497fs, R537fs, R540fs.
Identifiers: ClinVar variation 1712513 (VCV001712513.3), dbSNP rs2507926253, ClinGen allele CA2580094750.